The following is an entry in ClinVar:

ClinVar aggregate classification (germline): Uncertain significance (1 of 4 stars; one submission).

Submission:

Labcorp Genetics (formerly Invitae), Labcorp
Classification: Uncertain significance. Last evaluated: 2021-03-26. Review status: criteria provided, single submitter. Criteria: Invitae Variant Classification Sherloc (09022015). Collection method: clinical testing. Allele origin: germline.
Comment: In summary, the available evidence is currently insufficient to determine the role of this variant in disease. Therefore, it has been classified as a Variant of Uncertain Significance. Experimental studies and prediction algorithms are not available or were not evaluated, and the functional significance of this variant is currently unknown. This variant has not been reported in the literature in individuals with CCT2-related conditions. A copy number gain of the genomic region encompassing the full coding sequence of the CCT2 gene has been identified. The boundaries of this event are unknown as they extend beyond the assayed region for this gene and therefore may encompass additional genes. As the precise location of this event is unknown, it may be in tandem or it may be located elsewhere in the genome.

NC_000012.11:g.(?_69979302)_(70004618_?)dup

Genes: CCT2 (chaperonin containing TCP1 subunit 2; plus strand), LRRC10 (leucine rich repeat containing 10; minus strand). Cytogenetic location: 12q15.
Variant type: Duplication.
Identifiers: ClinVar variation 1411538 (VCV001411538.4).